The following is an entry in ClinVar:

ClinVar aggregate classification (germline): Conflicting classifications of pathogenicity. Review status: criteria provided, conflicting classifications (1 of 4 stars). 5 submissions from 5 submitters: Uncertain significance (4); Likely benign (1). Last evaluated 2026-05-15.

Conditions:
Von Hippel-Lindau syndrome (VHLS). Also called: VHL syndrome; von Hippel–Lindau syndrome; Von Hippel-Lindau. Identifiers: Orphanet 892, MedGen C0019562, MONDO:0008667, OMIM 193300. Disease mechanism: loss of function.
Chuvash polycythemia. Also called: POLYCYTHEMIA, VHL-DEPENDENT. Identifiers: Orphanet 238557, MedGen C1837915, MONDO:0009892, OMIM 263400.
Hereditary cancer-predisposing syndrome. Also called: Tumor predisposition; Hereditary neoplastic syndrome; Neoplastic Syndromes, Hereditary; Hereditary Cancer Syndrome. Identifiers: Orphanet 140162, MedGen C0027672, MeSH D009386, MONDO:0015356.

Allele frequency attached by ClinVar (database versions not stated): gnomAD exomes below 0.00001.

Submissions (5):

Ambry Genetics
Classification: Likely benign for Hereditary cancer-predisposing syndrome. Last evaluated: 2026-05-15. Review status: criteria provided, single submitter. Criteria: Ambry Variant Classification Scheme 2023. Collection method: clinical testing. Allele origin: germline.

Labcorp Genetics (formerly Invitae), Labcorp
Classification: Uncertain significance for Von Hippel-Lindau syndrome; Chuvash polycythemia. Last evaluated: 2025-11-20. Review status: criteria provided, single submitter. Criteria: Invitae Variant Classification Sherloc (09022015). Collection method: clinical testing. Allele origin: germline.
Comment: This sequence change replaces aspartic acid, which is acidic and polar, with asparagine, which is neutral and polar, at codon 28 of the VHL protein (p.Asp28Asn). This variant is not present in population databases (gnomAD no frequency). This variant has not been reported in the literature in individuals affected with VHL-related conditions. ClinVar contains an entry for this variant (Variation ID: 486718). Invitae Evidence Modeling of protein sequence and biophysical properties (such as structural, functional, and spatial information, amino acid conservation, physicochemical variation, residue mobility, and thermodynamic stability) indicates that this missense variant is not expected to disrupt VHL protein function with a negative predictive value of 95%. In summary, the available evidence is currently insufficient to determine the role of this variant in disease. Therefore, it has been classified as a Variant of Uncertain Significance.

Center for Genomic Medicine, Rigshospitalet, Copenhagen University Hospital
Classification: Uncertain significance. Last evaluated: 2025-03-04. Review status: criteria provided, single submitter. Criteria: ACMG Guidelines, 2015. Collection method: clinical testing. Allele origin: germline.

GeneDx
Classification: Uncertain significance. Last evaluated: 2023-06-16. Review status: criteria provided, single submitter. Criteria: GeneDx Variant Classification Process June 2021. Collection method: clinical testing. Allele origin: germline. Affected: yes.
Comment: Not observed at significant frequency in large population cohorts (gnomAD); In silico analysis supports that this missense variant does not alter protein structure/function; Has not been previously published as pathogenic or benign to our knowledge

All of Us Research Program, National Institutes of Health
Classification: Uncertain significance for Von Hippel-Lindau syndrome. Last evaluated: 2022-11-28. Review status: criteria provided, single submitter. Criteria: ACMG Guidelines, 2015. Collection method: clinical testing. Allele origin: germline. Inheritance: Autosomal dominant inheritance. Observed: 1 variant allele, 1 heterozygote.
Comment: This study involves interpretation of variants in research participants for the purpose of population health screening. Participant phenotype was not available at the time of variant classification. Additional details can be found in publication PMID: 35346344, PMCID: PMC8962531

NM_000551.4(VHL):c.82G>A (p.Asp28Asn)

Gene: VHL (von Hippel-Lindau tumor suppressor; plus strand). Cytogenetic location: 3p25.3.
Variant type: single nucleotide variant.
Coding change: c.82G>A on transcript NM_000551.4 (MANE Select); coding-DNA position 82, G replaced by A.
Protein change: p.Asp28Asn; replaces aspartic acid 28 with asparagine.
Molecular consequence: missense variant.
Genome position (GRCh38, 1-based): chr3:10,141,929, G>A. VCF-style: chr3-10141929-G-A. GRCh37 (hg19) VCF-style: chr3-10183613-G-A.
Other names: c.82G>A, p.Asp28Asn (NM_001354723.2, NM_198156.3); short protein forms D28N.
Identifiers: ClinVar variation 486718 (VCV000486718.23), dbSNP rs1553619319, ClinGen allele CA351747487.